The following is an entry in ClinVar:

NM_000535.7(PMS2):c.1448A>T (p.Asp483Val)

Gene: PMS2 (PMS1 homolog 2, mismatch repair system component; minus strand). Cytogenetic location: 7p22.1.
Variant type: single nucleotide variant.
Coding change: c.1448A>T on transcript NM_000535.7 (MANE Select); coding-DNA position 1448, A replaced by T.
Protein change: p.Asp483Val; replaces aspartic acid 483 with valine.
Molecular consequence: missense variant. On other transcripts: non-coding transcript variant (1).
Genome position (GRCh38, 1-based): chr7:5,987,317, T>A on the plus strand (A>T on the coding strand, the complement: PMS2 is on the minus strand). VCF-style: chr7-5987317-T-A. GRCh37 (hg19) VCF-style: chr7-6026948-T-A.
Other names: c.1043A>T, p.Asp348Val (NM_001018040.1, NM_001322003.2, NM_001322004.2 and 17 more transcripts); c.1292A>T, p.Asp431Val (NM_001322006.2, NM_001406870.1); c.1130A>T, p.Asp377Val (NM_001322007.2, NM_001322008.2, NM_001406876.1 and 2 more transcripts); c.887A>T, p.Asp296Val (NM_001322010.2, NM_001406906.1, NM_001406907.1); c.515A>T, p.Asp172Val (NM_001322011.2, NM_001322012.2); c.875A>T, p.Asp292Val (NM_001322013.2, NM_001406909.1); c.1448A>T, p.Asp483Val (NM_001322014.2, NM_001406871.1, NM_001406872.1); c.1139A>T, p.Asp380Val (NM_001322015.2, NM_001406875.1, NM_001406877.1 and 5 more transcripts); and 12 more; short protein forms D172V, D292V, D312V, D447V, D483V, D491V, D371V, D377V.
Identifiers: ClinVar variation 1772835 (VCV001772835.2), dbSNP rs2128730424, ClinGen allele CA366741945.

ClinVar aggregate classification (germline): Uncertain significance (1 of 4 stars; one submission).

Conditions:
Hereditary cancer-predisposing syndrome. Also called: Hereditary Cancer Syndrome; Hereditary neoplastic syndrome; Neoplastic Syndromes, Hereditary; Tumor predisposition. Identifiers: Orphanet 140162, MedGen C0027672, MeSH D009386, MONDO:0015356.

Allele frequency attached by ClinVar (database versions not stated): gnomAD exomes below 0.00001.
gnomAD v4.1: 2 of 1,614,022 alleles (0.00012%); highest among the groups gnomAD compares: Non-Finnish European, 0.00017%; no homozygotes.

Submission:

Ambry Genetics
Classification: Uncertain significance for Hereditary cancer-predisposing syndrome. Last evaluated: 2019-09-21. Review status: criteria provided, single submitter. Criteria: Ambry Variant Classification Scheme 2023. Collection method: clinical testing. Allele origin: germline.
Comment: The p.D483V variant (also known as c.1448A>T), located in coding exon 11 of the PMS2 gene, results from an A to T substitution at nucleotide position 1448. The aspartic acid at codon 483 is replaced by valine, an amino acid with highly dissimilar properties. This amino acid position is not well conserved in available vertebrate species. In addition, this alteration is predicted to be tolerated by in silico analysis. Since supporting evidence is limited at this time, the clinical significance of this alteration remains unclear.